The following is an entry in ClinVar:

ClinVar aggregate classification (germline): Uncertain significance (1 of 4 stars; one submission).

Submission:

Labcorp Genetics (formerly Invitae), Labcorp
Classification: Uncertain significance. Last evaluated: 2021-06-11. Review status: criteria provided, single submitter. Criteria: Invitae Variant Classification Sherloc (09022015). Collection method: clinical testing. Allele origin: germline.
Comment: In summary, the available evidence is currently insufficient to determine the role of this variant in disease. Therefore, it has been classified as a Variant of Uncertain Significance. Algorithms developed to predict the effect of missense changes on protein structure and function output the following: SIFT: "Tolerated"; PolyPhen-2: "Possibly Damaging"; Align-GVGD: "Class C0". The arginine amino acid residue is found in multiple mammalian species, suggesting that this missense change does not adversely affect protein function. These predictions have not been confirmed by published functional studies and their clinical significance is uncertain. This variant has not been reported in the literature in individuals with APOL1-related conditions. This variant is not present in population databases (ExAC no frequency). This sequence change replaces lysine with arginine at codon 233 of the APOL1 protein (p.Lys233Arg). The lysine residue is weakly conserved and there is a small physicochemical difference between lysine and arginine.

NM_003661.4(APOL1):c.698A>G (p.Lys233Arg)

Gene: APOL1 (apolipoprotein L1; plus strand). Cytogenetic location: 22q12.3.
Variant type: single nucleotide variant.
Coding change: c.698A>G on transcript NM_003661.4 (MANE Select); coding-DNA position 698, A replaced by G.
Protein change: p.Lys233Arg; replaces lysine 233 with arginine.
Molecular consequence: missense variant.
Genome position (GRCh38, 1-based): chr22:36,265,534, A>G. VCF-style: chr22-36265534-A-G. GRCh37 (hg19) VCF-style: chr22-36661580-A-G.
Other names: c.698A>G, p.Lys233Arg (NM_001136540.2); c.644A>G, p.Lys215Arg (NM_001136541.2, NM_001362927.2); c.746A>G, p.Lys249Arg (NM_145343.3); short protein forms K249R, K233R, K215R.
Identifiers: ClinVar variation 1468115 (VCV001468115.8), dbSNP rs2146312171, ClinGen allele CA411367021.